The following is an entry in ClinVar:

NM_003640.5(ELP1):c.3037G>A (p.Gly1013Ser)

Gene: ELP1 (elongator acetyltransferase complex subunit 1; minus strand). Cytogenetic location: 9q31.3.
Variant type: single nucleotide variant.
Coding change: c.3037G>A on transcript NM_003640.5 (MANE Select); coding-DNA position 3037, G replaced by A.
Protein change: p.Gly1013Ser; replaces glycine 1013 with serine.
Molecular consequence: missense variant.
Genome position (GRCh38, 1-based): chr9:108,891,326, C>T on the plus strand (G>A on the coding strand, the complement: ELP1 is on the minus strand). VCF-style: chr9-108891326-C-T. GRCh37 (hg19) VCF-style: chr9-111653606-C-T.
Other names: c.3037G>A (NM_003640.4, LRG_251t1); c.2695G>A, p.Gly899Ser (NM_001318360.2); c.1990G>A, p.Gly664Ser (NM_001330749.2); short protein forms G1013S, G664S, G899S.
Identifiers: ClinVar variation 259110 (VCV000259110.21), dbSNP rs2230795, ClinGen allele CA5174450.
Genomic context (GRCh38, chr9:108,891,326, plus strand): 5'-AGAGGGCTTGCTTCCAGTTGCCACATGTCAGAAAGGCTGAGAGAGCTTTCTCGTGGGCAC[C>T]GCAACGGGCAAACATGAGCCCCGCTGGCTCATACATGTGCTCCTGCATCAGGTGCTCCCC-3'
Protein context (NP_003631.2, residues 1003-1023): EPAGLMFARC[Gly1013Ser]AHEKALSAFL

ClinVar aggregate classification (germline): Benign/Likely benign. Review status: criteria provided, multiple submitters, no conflicts (2 of 4 stars). 8 submissions from 8 submitters: Benign (6); Likely benign (1). 1 of the submissions does not count toward it. Last evaluated 2026-02-04.

Conditions:
Familial dysautonomia. Also called: HSAN III; FD. Identifiers: Orphanet 1764, MedGen C0013364, MONDO:0009131, OMIM 223900. Disease mechanism: loss of function.

Allele frequency attached by ClinVar (database versions not stated): 1000 Genomes Project 0.03155; gnomAD 0.03328 and 0.03103; 1000 Genomes Project 30x 0.03357; TOPMed 0.03608; ESP Exome Variant Server 0.03914; gnomAD exomes 0.00797; ExAC 0.00984.
gnomAD v4.1: 9,148 of 1,614,072 alleles (0.57%); highest among the groups gnomAD compares: African/African-American, 11%; 504 homozygotes.

Submissions (8):

Labcorp Genetics (formerly Invitae), Labcorp
Classification: Benign. Last evaluated: 2026-02-04. Review status: criteria provided, single submitter. Criteria: Invitae Variant Classification Sherloc (09022015). Collection method: clinical testing. Allele origin: germline.

Women's Health and Genetics/Laboratory Corporation of America, LabCorp
Classification: Likely benign. Last evaluated: 2022-05-01. Review status: criteria provided, single submitter. Criteria: LabCorp Variant Classification Summary - May 2015. Collection method: clinical testing. Allele origin: germline.

Mayo Clinic Laboratories, Mayo Clinic
Classification: Benign. Last evaluated: 2021-05-06. Review status: criteria provided, single submitter. Criteria: ACMG Guidelines, 2015. Collection method: clinical testing. Allele origin: germline. Observed: 20 variant alleles.

Illumina Laboratory Services, Illumina
Classification: Benign for Familial dysautonomia. Last evaluated: 2018-01-13. Review status: criteria provided, single submitter. Criteria: ICSL Variant Classification Criteria 13 December 2019. Collection method: clinical testing. Allele origin: germline.
Comment: This variant was observed in the ICSL laboratory as part of a predisposition screen in an ostensibly healthy population. It had not been previously curated by ICSL or reported in the Human Gene Mutation Database (HGMD: prior to June 1st, 2018), and was therefore a candidate for classification through an automated scoring system. Utilizing variant allele frequency, disease prevalence and penetrance estimates, and inheritance mode, an automated score was calculated to assess if this variant is too frequent to cause the disease. Based on the score and internal cut-off values, a variant classified as benign is not then subjected to further curation. The score for this variant resulted in a classification of benign for this disease.

GeneDx
Classification: Benign. Last evaluated: 2015-04-17. Review status: criteria provided, single submitter. Criteria: GeneDx Variant Classification (06012015). Collection method: clinical testing. Allele origin: germline. Affected: yes.
Comment: This variant is considered likely benign or benign based on one or more of the following criteria: it is a conservative change, it occurs at a poorly conserved position in the protein, it is predicted to be benign by multiple in silico algorithms, and/or has population frequency not consistent with disease.

Breakthrough Genomics
Classification: Benign. Review status: criteria provided, single submitter. Criteria: ACMG Guidelines, 2015. Collection method: not provided. Allele origin: germline. Inheritance: Autosomal recessive inheritance. Affected: yes.

PreventionGenetics, part of Exact Sciences
Classification: Benign. Review status: criteria provided, single submitter. Criteria: ACMG Guidelines, 2015. Collection method: clinical testing. Allele origin: germline.

Natera, Inc.
Classification: Benign for Familial dysautonomia. Last evaluated: 2020-09-16. Review status: no assertion criteria provided. Collection method: clinical testing. Allele origin: germline. Not counted in ClinVar's aggregate classification.